The following is an entry in ClinVar:

ClinVar aggregate classification (germline): Likely benign. Review status: criteria provided, multiple submitters, no conflicts (2 of 4 stars). 2 submissions from 2 submitters: Likely benign (2). Last evaluated 2026-01-20.

Allele frequency attached by ClinVar (database versions not stated): gnomAD 0.00002; gnomAD exomes 0.00002 and 0.00004; TOPMed 0.00003.
gnomAD v4.1: 57 of 1,528,710 alleles (0.0037%); highest among the groups gnomAD compares: Non-Finnish European, 0.0047%; no homozygotes.

Submissions (2):

Labcorp Genetics (formerly Invitae), Labcorp
Classification: Likely benign. Last evaluated: 2026-01-20. Review status: criteria provided, single submitter. Criteria: Invitae Variant Classification Sherloc (09022015). Collection method: clinical testing. Allele origin: germline.

CeGaT Center for Human Genetics Tuebingen
Classification: Likely benign. Last evaluated: 2023-01-01. Review status: criteria provided, single submitter. Criteria: CeGaT Center For Human Genetics Tuebingen Variant Classification Criteria Version 2. Collection method: clinical testing. Allele origin: germline. Affected: yes. Observed: 1 variant allele.
Comment: LHX3: BP4, BP7

NM_178138.6(LHX3):c.963C>T (p.Pro321=)

Gene: LHX3 (LIM homeobox 3; minus strand). Cytogenetic location: 9q34.3.
Variant type: single nucleotide variant.
Coding change: c.963C>T on transcript NM_178138.6 (MANE Select); coding-DNA position 963, C replaced by T.
Protein change: p.Pro321=; no amino-acid change (proline 321 retained).
Molecular consequence: synonymous variant.
Genome position (GRCh38, 1-based): chr9:136,197,556, G>A on the plus strand (C>T on the coding strand, the complement: LHX3 is on the minus strand). VCF-style: chr9-136197556-G-A. GRCh37 (hg19) VCF-style: chr9-139089402-G-A.
Other names: c.930C>T, p.Pro310= (NM_001363746.1); c.978C>T, p.Pro326= (NM_014564.5).
Identifiers: ClinVar variation 1079002 (VCV001079002.31), dbSNP rs780677082, ClinGen allele CA5330283.